The following is an entry in ClinVar:

ClinVar aggregate classification (germline): Uncertain significance (1 of 4 stars; one submission).

Conditions:
Myopathy, centronuclear, 2 (CNM2). Also called: MYOTUBULAR MYOPATHY, AUTOSOMAL RECESSIVE. Identifiers: Orphanet 169186, MedGen CN031787, MONDO:0009709, OMIM 255200.

Submission:

Labcorp Genetics (formerly Invitae), Labcorp
Classification: Uncertain significance for Myopathy, centronuclear, 2. Last evaluated: 2025-10-02. Review status: criteria provided, single submitter. Criteria: Invitae Variant Classification Sherloc (09022015). Collection method: clinical testing. Allele origin: germline.
Comment: This sequence change replaces proline, which is neutral and non-polar, with leucine, which is neutral and non-polar, at codon 375 of the BIN1 protein (p.Pro375Leu). This variant is not present in population databases (gnomAD no frequency). This variant has not been reported in the literature in individuals affected with BIN1-related conditions. ClinVar contains an entry for this variant (Variation ID: 1977785). An algorithm developed to predict the effect of missense changes on protein structure and function (PolyPhen-2) suggests that this variant is likely to be disruptive. In summary, the available evidence is currently insufficient to determine the role of this variant in disease. Therefore, it has been classified as a Variant of Uncertain Significance.

NM_139343.3(BIN1):c.1124C>T (p.Pro375Leu)

Gene: BIN1 (bridging integrator 1; minus strand). Cytogenetic location: 2q14.3.
Variant type: single nucleotide variant.
Coding change: c.1124C>T on transcript NM_139343.3 (MANE Select); coding-DNA position 1124, C replaced by T.
Protein change: p.Pro375Leu; replaces proline 375 with leucine.
Molecular consequence: missense variant. On other transcripts: intron variant (9).
Genome position (GRCh38, 1-based): chr2:127,057,480, G>A on the plus strand (C>T on the coding strand, the complement: BIN1 is on the minus strand). VCF-style: chr2-127057480-G-A. GRCh37 (hg19) VCF-style: chr2-127815056-G-A.
Other names: c.1124C>T, p.Pro375Leu (NM_001320640.2); c.1031C>T, p.Pro344Leu (NM_001320641.2, NM_139347.3, NM_139348.3); c.1043C>T, p.Pro348Leu (NM_001320642.1); c.1076C>T, p.Pro359Leu (NM_139346.3); c.837+1531C>T (NM_001320634.1); c.909+1531C>T (NM_139351.3, NM_139350.3, NM_139349.3); c.954+1531C>T (NM_001320632.2, NM_004305.4); c.1002+1531C>T (NM_001320633.2, NM_139345.3, NM_139344.3); short protein forms P348L, P344L, P375L, P359L.
Identifiers: ClinVar variation 1977785 (VCV001977785.5), dbSNP rs2104935838, ClinGen allele CA348378365.